The following is an entry in ClinVar:

ClinVar aggregate classification (germline): Uncertain significance (1 of 4 stars; one submission).

Allele frequency attached by ClinVar (database versions not stated): gnomAD 0.00003; TOPMed 0.00003; ExAC 0.00007; ESP Exome Variant Server 0.00008.
gnomAD v4.1: 80 of 1,510,010 alleles (0.0053%); highest among the groups gnomAD compares: Non-Finnish European, 0.0067%; no homozygotes.

Submission:

Ambry Genetics
Classification: Uncertain significance. Last evaluated: 2024-11-18. Review status: criteria provided, single submitter. Criteria: Ambry Variant Classification Scheme 2023. Collection method: clinical testing. Allele origin: germline.
Comment: The p.T1753P variant (also known as c.5257A>C), located in coding exon 22 of the WNK2 gene, results from an A to C substitution at nucleotide position 5257. The threonine at codon 1753 is replaced by proline, an amino acid with highly similar properties. This amino acid position is conserved. In addition, the in silico prediction for this alteration is inconclusive. Based on the available evidence, the clinical significance of this variant remains unclear.

NM_006648.4(WNK2):c.5257A>C (p.Thr1753Pro)

Gene: WNK2 (WNK lysine deficient protein kinase 2; plus strand). Cytogenetic location: 9q22.31.
Variant type: single nucleotide variant.
Coding change: c.5257A>C on transcript NM_006648.4 (MANE Select); coding-DNA position 5257, A replaced by C.
Protein change: p.Thr1753Pro; replaces threonine 1753 with proline.
Molecular consequence: missense variant.
Genome position (GRCh38, 1-based): chr9:93,292,722, A>C. VCF-style: chr9-93292722-A-C. GRCh37 (hg19) VCF-style: chr9-96055004-A-C.
Other names: c.5368A>C, p.Thr1790Pro (NM_001282394.3); short protein forms T1790P, T1753P.
Identifiers: ClinVar variation 3190649 (VCV003190649.2), dbSNP rs368888719, ClinGen allele CA5130544.